The following is an entry in ClinVar:

NM_024306.5(FA2H):c.319G>A (p.Asp107Asn)

Gene: FA2H (fatty acid 2-hydroxylase; minus strand). Cytogenetic location: 16q23.1.
Variant type: single nucleotide variant.
Coding change: c.319G>A on transcript NM_024306.5 (MANE Select); coding-DNA position 319, G replaced by A.
Protein change: p.Asp107Asn; replaces aspartic acid 107 with asparagine.
Molecular consequence: missense variant.
Genome position (GRCh38, 1-based): chr16:74,740,067, C>T on the plus strand (G>A on the coding strand, the complement: FA2H is on the minus strand). VCF-style: chr16-74740067-C-T. GRCh37 (hg19) VCF-style: chr16-74773965-C-T.
Other names: short protein forms D107N.
Identifiers: ClinVar variation 954656 (VCV000954656.9), dbSNP rs1962260707, ClinGen allele CA396770395.

ClinVar aggregate classification (germline): Uncertain significance (1 of 4 stars; one submission).

Conditions:
Spastic paraplegia. Identifiers: MedGen C0037772, HP:0001258.

Submission:

Labcorp Genetics (formerly Invitae), Labcorp
Classification: Uncertain significance for Spastic paraplegia. Last evaluated: 2022-11-22. Review status: criteria provided, single submitter. Criteria: Invitae Variant Classification Sherloc (09022015). Collection method: clinical testing. Allele origin: germline.
Comment: In summary, the available evidence is currently insufficient to determine the role of this variant in disease. Therefore, it has been classified as a Variant of Uncertain Significance. Advanced modeling of protein sequence and biophysical properties (such as structural, functional, and spatial information, amino acid conservation, physicochemical variation, residue mobility, and thermodynamic stability) performed at Invitae indicates that this missense variant is not expected to disrupt FA2H protein function. ClinVar contains an entry for this variant (Variation ID: 954656). This variant has not been reported in the literature in individuals affected with FA2H-related conditions. This variant is not present in population databases (gnomAD no frequency). This sequence change replaces aspartic acid, which is acidic and polar, with asparagine, which is neutral and polar, at codon 107 of the FA2H protein (p.Asp107Asn).